The following is an entry in ClinVar:

NM_004667.6(HERC2):c.9813G>A (p.Ala3271=)

Gene: HERC2 (HECT and RLD domain containing E3 ubiquitin protein ligase 2; minus strand). Cytogenetic location: 15q13.1.
Variant type: single nucleotide variant.
Coding change: c.9813G>A on transcript NM_004667.6 (MANE Select); coding-DNA position 9813, G replaced by A.
Protein change: p.Ala3271=; no amino-acid change (alanine 3271 retained).
Molecular consequence: synonymous variant.
Genome position (GRCh38, 1-based): chr15:28,175,530, C>T on the plus strand (G>A on the coding strand, the complement: HERC2 is on the minus strand). VCF-style: chr15-28175530-C-T. GRCh37 (hg19) VCF-style: chr15-28420676-C-T.
Identifiers: ClinVar variation 3025328 (VCV003025328.22), dbSNP rs139728053, ClinGen allele CA7441067.

ClinVar aggregate classification (germline): Likely benign (1 of 4 stars; one submission).

Allele frequency attached by ClinVar (database versions not stated): ESP Exome Variant Server 0.00008; gnomAD exomes 0.00016; gnomAD 0.00022; TOPMed 0.00023; ExAC 0.00045; 1000 Genomes Project 30x 0.00078; 1000 Genomes Project 0.00100.
gnomAD v4.1: 267 of 1,612,996 alleles (0.017%); highest among the groups gnomAD compares: East Asian, 0.22%; 1 homozygote.

Submission:

CeGaT Center for Human Genetics Tuebingen
Classification: Likely benign. Last evaluated: 2025-10-01. Review status: criteria provided, single submitter. Criteria: CeGaT Center For Human Genetics Tuebingen Variant Classification Criteria Version 2. Collection method: clinical testing. Allele origin: germline. Affected: yes. Observed: 4 variant alleles.
Comment: HERC2: BP4, BP7